The following is an entry in ClinVar:

NM_002691.4(POLD1):c.1729G>A (p.Gly577Ser)

Gene: POLD1 (DNA polymerase delta 1, catalytic subunit; plus strand). Cytogenetic location: 19q13.33.
Variant type: single nucleotide variant.
Coding change: c.1729G>A on transcript NM_002691.4 (MANE Select); coding-DNA position 1729, G replaced by A.
Protein change: p.Gly577Ser; replaces glycine 577 with serine.
Molecular consequence: missense variant. On other transcripts: non-coding transcript variant (1).
Genome position (GRCh38, 1-based): chr19:50,407,369, G>A. VCF-style: chr19-50407369-G-A. GRCh37 (hg19) VCF-style: chr19-50910626-G-A.
Other names: c.1729G>A, p.Gly577Ser (NM_001256849.1, NM_001308632.1); c.1729G>A (NM_002691.2); short protein forms G577S.
Identifiers: ClinVar variation 960048 (VCV000960048.10), dbSNP rs2038934806, ClinGen allele CA406981253.

ClinVar aggregate classification (germline): Uncertain significance. Review status: criteria provided, multiple submitters, no conflicts (2 of 4 stars). 3 submissions from 3 submitters: Uncertain significance (3). Last evaluated 2024-11-17.

Conditions:
POLD1-related polyposis and colorectal cancer syndrome (CRCS10). Also called: Colorectal cancer 10; COLORECTAL CANCER, SUSCEPTIBILITY TO, ON CHROMOSOME 19q; Colorectal cancer, susceptibility to, 10. Identifiers: Orphanet 220460, MedGen C2675481, MONDO:0012953, OMIM 612591.
Hereditary cancer-predisposing syndrome. Also called: Tumor predisposition; Hereditary Cancer Syndrome; Hereditary neoplastic syndrome; Neoplastic Syndromes, Hereditary. Identifiers: Orphanet 140162, MedGen C0027672, MeSH D009386, MONDO:0015356.

Submissions (3):

Ambry Genetics
Classification: Uncertain significance for Hereditary cancer-predisposing syndrome. Last evaluated: 2024-11-17. Review status: criteria provided, single submitter. Criteria: Ambry Variant Classification Scheme 2023. Collection method: clinical testing. Allele origin: germline.
Comment: The p.G577S variant (also known as c.1729G>A), located in coding exon 13 of the POLD1 gene, results from a G to A substitution at nucleotide position 1729. The glycine at codon 577 is replaced by serine, an amino acid with similar properties. This amino acid position is conserved. In addition, this alteration is predicted to be tolerated by in silico analysis. Based on the available evidence, the clinical significance of this variant remains unclear.

GeneDx
Classification: Uncertain significance. Last evaluated: 2022-01-24. Review status: criteria provided, single submitter. Criteria: GeneDx Variant Classification Process June 2021. Collection method: clinical testing. Allele origin: germline. Affected: yes.
Comment: Not observed at significant frequency in large population cohorts (gnomAD); In silico analysis supports that this missense variant does not alter protein structure/function; Has not been previously published as pathogenic or benign to our knowledge

Labcorp Genetics (formerly Invitae), Labcorp
Classification: Uncertain significance for POLD1-related polyposis and colorectal cancer syndrome. Last evaluated: 2022-01-22. Review status: criteria provided, single submitter. Criteria: Invitae Variant Classification Sherloc (09022015). Collection method: clinical testing. Allele origin: germline.
Comment: In summary, the available evidence is currently insufficient to determine the role of this variant in disease. Therefore, it has been classified as a Variant of Uncertain Significance. Algorithms developed to predict the effect of missense changes on protein structure and function (SIFT, PolyPhen-2, Align-GVGD) all suggest that this variant is likely to be tolerated. ClinVar contains an entry for this variant (Variation ID: 960048). This variant has not been reported in the literature in individuals affected with POLD1-related conditions. This variant is not present in population databases (gnomAD no frequency). This sequence change replaces glycine, which is neutral and non-polar, with serine, which is neutral and polar, at codon 577 of the POLD1 protein (p.Gly577Ser).